The following is an entry in ClinVar:

NM_015346.4(ZFYVE26):c.1901C>G (p.Ser634Cys)

Gene: ZFYVE26 (zinc finger FYVE-type containing 26; minus strand). Cytogenetic location: 14q24.1.
Variant type: single nucleotide variant.
Coding change: c.1901C>G on transcript NM_015346.4 (MANE Select); coding-DNA position 1901, C replaced by G.
Protein change: p.Ser634Cys; replaces serine 634 with cysteine.
Molecular consequence: missense variant.
Genome position (GRCh38, 1-based): chr14:67,798,361, G>C on the plus strand (C>G on the coding strand, the complement: ZFYVE26 is on the minus strand). VCF-style: chr14-67798361-G-C. GRCh37 (hg19) VCF-style: chr14-68265078-G-C.
Other names: short protein forms S634C.
Identifiers: ClinVar variation 1058115 (VCV001058115.6), dbSNP rs761420970, ClinGen allele CA7240426.

ClinVar aggregate classification (germline): Uncertain significance (1 of 4 stars; one submission).

Conditions:
Spastic paraplegia. Identifiers: MedGen C0037772, HP:0001258.

Allele frequency attached by ClinVar (database versions not stated): ExAC 0.00001.
gnomAD v4.1: 2 of 1,609,954 alleles (0.00012%); highest among the groups gnomAD compares: Non-Finnish European, 0.00017%; no homozygotes.

Submission:

Labcorp Genetics (formerly Invitae), Labcorp
Classification: Uncertain significance for Spastic paraplegia. Last evaluated: 2021-09-01. Review status: criteria provided, single submitter. Criteria: Invitae Variant Classification Sherloc (09022015). Collection method: clinical testing. Allele origin: germline.
Comment: This sequence change replaces serine with cysteine at codon 634 of the ZFYVE26 protein (p.Ser634Cys). The serine residue is moderately conserved and there is a moderate physicochemical difference between serine and cysteine. This variant is present in population databases (rs761420970, ExAC 0.002%). This variant has not been reported in the literature in individuals affected with ZFYVE26-related conditions. Algorithms developed to predict the effect of missense changes on protein structure and function output the following: SIFT: "Tolerated"; PolyPhen-2: "Benign"; Align-GVGD: "Class C0". The cysteine amino acid residue is found in multiple mammalian species, which suggests that this missense change does not adversely affect protein function. In summary, the available evidence is currently insufficient to determine the role of this variant in disease. Therefore, it has been classified as a Variant of Uncertain Significance.